The following is an entry in ClinVar:

NM_000257.4(MYH7):c.4691A>C (p.Glu1564Ala)

Genes: MHRT (myosin heavy chain associated RNA transcript; plus strand), MYH7 (myosin heavy chain 7; minus strand), LOC126861897 (BRD4-independent group 4 enhancer GRCh37_chr14:23884455-23885654; plus strand). Cytogenetic location: 14q11.2.
Variant type: single nucleotide variant.
Coding change: c.4691A>C on transcript NM_000257.4 (MANE Select); coding-DNA position 4691, A replaced by C.
Protein change: p.Glu1564Ala; replaces glutamic acid 1564 with alanine.
Molecular consequence: missense variant. On other transcripts: non-coding transcript variant (1).
Genome position (GRCh38, 1-based): chr14:23,416,266, T>G on the plus strand (A>C on the coding strand, the complement: MYH7 is on the minus strand). VCF-style: chr14-23416266-T-G. GRCh37 (hg19) VCF-style: chr14-23885475-T-G.
Other names: c.4691A>C, p.Glu1564Ala (NM_001407004.1); short protein forms E1564A.
Identifiers: ClinVar variation 1709419 (VCV001709419.3), dbSNP rs2502245672, ClinGen allele CA389037849.

ClinVar aggregate classification (germline): Uncertain significance (1 of 4 stars; one submission).

Conditions:
Myosin storage myopathy (CMYO7A). Also called: Scapuloperoneal myopathy, MYH7-related; MYOPATHY WITH LYSIS OF TYPE I MYOFIBRILS; SCAPULOPERONEAL MUSCULAR DYSTROPHY; SCAPULOPERONEAL SYNDROME, MYOPATHIC TYPE; MYH7-related late-onset scapuloperoneal muscular dystrophy; Congenital myopathy 7A, myosin storage, autosomal dominant. Identifiers: Orphanet 437572, Orphanet 636965, MedGen C1842160, MONDO:0008409, OMIM 608358.

Submission:

MGZ Medical Genetics Center
Classification: Uncertain significance for Myosin storage myopathy. Last evaluated: 2022-02-03. Review status: criteria provided, single submitter. Criteria: ACMG Guidelines, 2015. Collection method: clinical testing. Allele origin: germline. Affected: yes. Observed: 1 variant allele.
Comment: ACMG criteria applied: PM2_SUP, PP3